The following is an entry in ClinVar:

ClinVar aggregate classification (germline): Uncertain significance. Review status: criteria provided, multiple submitters, no conflicts (2 of 4 stars). 2 submissions from 2 submitters: Uncertain significance (2). Last evaluated 2025-01-01.

Conditions:
Primary ciliary dyskinesia. Also called: Ciliary dyskinesia. Identifiers: Orphanet 244, MedGen C0008780, MONDO:0016575, HP:0012265.
Inborn genetic diseases. Identifiers: MedGen C0950123, MeSH D030342.

Allele frequency attached by ClinVar (database versions not stated): gnomAD exomes 0.00001; ExAC 0.00008.

Submissions (2):

Ambry Genetics
Classification: Uncertain significance for Inborn genetic diseases. Last evaluated: 2025-01-01. Review status: criteria provided, single submitter. Criteria: Ambry Variant Classification Scheme 2023. Collection method: clinical testing. Allele origin: germline.

Labcorp Genetics (formerly Invitae), Labcorp
Classification: Uncertain significance for Primary ciliary dyskinesia. Last evaluated: 2022-02-03. Review status: criteria provided, single submitter. Criteria: Invitae Variant Classification Sherloc (09022015). Collection method: clinical testing. Allele origin: germline.
Comment: This sequence change replaces arginine, which is basic and polar, with leucine, which is neutral and non-polar, at codon 196 of the CCNO protein (p.Arg196Leu). The frequency data for this variant in the population databases is considered unreliable, as metrics indicate poor data quality at this position in the gnomAD database. This variant has not been reported in the literature in individuals affected with CCNO-related conditions. Algorithms developed to predict the effect of missense changes on protein structure and function output the following: SIFT: "Tolerated"; PolyPhen-2: "Benign"; Align-GVGD: "Class C0". The leucine amino acid residue is found in multiple mammalian species, which suggests that this missense change does not adversely affect protein function. In summary, the available evidence is currently insufficient to determine the role of this variant in disease. Therefore, it has been classified as a Variant of Uncertain Significance.

NM_021147.5(CCNO):c.587G>T (p.Arg196Leu)

Gene: CCNO (cyclin O; minus strand). Cytogenetic location: 5q11.2.
Variant type: single nucleotide variant.
Coding change: c.587G>T on transcript NM_021147.5 (MANE Select); coding-DNA position 587, G replaced by T.
Protein change: p.Arg196Leu; replaces arginine 196 with leucine.
Molecular consequence: missense variant. On other transcripts: non-coding transcript variant (3).
Genome position (GRCh38, 1-based): chr5:55,231,841, C>A on the plus strand (G>T on the coding strand, the complement: CCNO is on the minus strand). VCF-style: chr5-55231841-C-A. GRCh37 (hg19) VCF-style: chr5-54527669-C-A.
Other names: c.587G>T (NM_021147.3); short protein forms R196L.
Identifiers: ClinVar variation 2418866 (VCV002418866.12), dbSNP rs756994700, ClinGen allele CA3266717.